The following is an entry in ClinVar:

NM_000044.6(AR):c.2125G>A (p.Gly709Arg)

Gene: AR (androgen receptor; plus strand). Cytogenetic location: Xq12.
Variant type: single nucleotide variant.
Coding change: c.2125G>A on transcript NM_000044.6 (MANE Select); coding-DNA position 2125, G replaced by A.
Protein change: p.Gly709Arg; replaces glycine 709 with arginine.
Molecular consequence: missense variant.
Genome position (GRCh38, 1-based): chrX:67,711,641, G>A. VCF-style: chrX-67711641-G-A. GRCh37 (hg19) VCF-style: chrX-66931483-G-A.
Other names: c.529G>A, p.Gly177Arg (NM_001011645.3); short protein forms G177R, G709R.
Identifiers: ClinVar variation 846618 (VCV000846618.9), dbSNP rs2076094418, ClinGen allele CA413423468.

ClinVar aggregate classification (germline): Uncertain significance (1 of 4 stars; one submission).

Conditions:
Androgen resistance syndrome (AIS). Also called: Androgen insensitivity syndrome; ANDROGEN RECEPTOR DEFICIENCY; DHTR DEFICIENCY; Androgen insensitivity syndrome due to coactivator deficiency; Androgen insensitivity; DIHYDROTESTOSTERONE RECEPTOR DEFICIENCY. Identifiers: Orphanet 754, Orphanet 99429, MedGen C0039585, MONDO:0019154, OMIM 300068. Disease mechanism: loss of function.
Kennedy disease (SMAX1). Also called: Spinal and Bulbar Muscular Atrophy; SPINAL AND BULBAR MUSCULAR ATROPHY, X-LINKED 1; KENNEDY SPINAL AND BULBAR MUSCULAR ATROPHY. Identifiers: Orphanet 481, MedGen C1839259, MONDO:0010735, OMIM 313200.

Submission:

Labcorp Genetics (formerly Invitae), Labcorp
Classification: Uncertain significance for Kennedy disease; Androgen resistance syndrome. Last evaluated: 2024-01-26. Review status: criteria provided, single submitter. Criteria: Invitae Variant Classification Sherloc (09022015). Collection method: clinical testing. Allele origin: germline.
Comment: This sequence change replaces glycine, which is neutral and non-polar, with arginine, which is basic and polar, at codon 709 of the AR protein (p.Gly709Arg). This variant is not present in population databases (gnomAD no frequency). This missense change has been observed in individual(s) with clinical features of AR-related conditions (Invitae). ClinVar contains an entry for this variant (Variation ID: 846618). Advanced modeling of protein sequence and biophysical properties (such as structural, functional, and spatial information, amino acid conservation, physicochemical variation, residue mobility, and thermodynamic stability) has been performed at Invitae for this missense variant, however the output from this modeling did not meet the statistical confidence thresholds required to predict the impact of this variant on AR protein function. This variant disrupts the p.G709 amino acid residue in AR. Other variant(s) that disrupt this residue have been determined to be pathogenic (PMID: 7981687, 10425033, 10840043, 20671138). This suggests that this residue is clinically significant, and that variants that disrupt this residue are likely to be disease-causing. In summary, the available evidence is currently insufficient to determine the role of this variant in disease. Therefore, it has been classified as a Variant of Uncertain Significance.

Literature cited by the submitters: PubMed 7981687; PubMed 10425033; PubMed 10840043; PubMed 20671138.